The following is an entry in ClinVar:

ClinVar aggregate classification (germline): Uncertain significance. Review status: criteria provided, multiple submitters, no conflicts (2 of 4 stars). 2 submissions from 2 submitters: Uncertain significance (2). Last evaluated 2023-07-12.

Conditions:
Mucopolysaccharidosis, MPS-III-D (MPS3D). Also called: N-ACETYLGLUCOSAMINE-6-SULFATASE DEFICIENCY; SANFILIPPO SYNDROME D; MPS III D; Mucopoly-saccharidosis type 3D; N-acetylglucosamine-6-sulfate sulfatase deficiency; MPS 3D. Identifiers: Orphanet 581, Orphanet 79272, MedGen C0086650, MONDO:0009658, OMIM 252940.
Inborn genetic diseases. Identifiers: MedGen C0950123, MeSH D030342.

Allele frequency attached by ClinVar (database versions not stated): TOPMed below 0.00001.

Submissions (2):

Ambry Genetics
Classification: Uncertain significance for Inborn genetic diseases. Last evaluated: 2023-07-12. Review status: criteria provided, single submitter. Criteria: Ambry Variant Classification Scheme 2023. Collection method: clinical testing. Allele origin: germline.

Labcorp Genetics (formerly Invitae), Labcorp
Classification: Uncertain significance for Mucopolysaccharidosis, MPS-III-D. Last evaluated: 2022-10-12. Review status: criteria provided, single submitter. Criteria: Invitae Variant Classification Sherloc (09022015). Collection method: clinical testing. Allele origin: germline.
Comment: This sequence change replaces threonine, which is neutral and polar, with serine, which is neutral and polar, at codon 131 of the GNS protein (p.Thr131Ser). This variant is present in population databases (no rsID available, gnomAD 0.0009%). This variant has not been reported in the literature in individuals affected with GNS-related conditions. Advanced modeling of protein sequence and biophysical properties (such as structural, functional, and spatial information, amino acid conservation, physicochemical variation, residue mobility, and thermodynamic stability) performed at Invitae indicates that this missense variant is not expected to disrupt GNS protein function. In summary, the available evidence is currently insufficient to determine the role of this variant in disease. Therefore, it has been classified as a Variant of Uncertain Significance.

NM_002076.4(GNS):c.391A>T (p.Thr131Ser)

Gene: GNS (glucosamine (N-acetyl)-6-sulfatase; minus strand). Cytogenetic location: 12q14.3.
Variant type: single nucleotide variant.
Coding change: c.391A>T on transcript NM_002076.4 (MANE Select); coding-DNA position 391, A replaced by T.
Protein change: p.Thr131Ser; replaces threonine 131 with serine.
Molecular consequence: missense variant.
Genome position (GRCh38, 1-based): chr12:64,747,780, T>A on the plus strand (A>T on the coding strand, the complement: GNS is on the minus strand). VCF-style: chr12-64747780-T-A. GRCh37 (hg19) VCF-style: chr12-65141560-T-A.
Other names: c.391A>T (NM_002076.3); short protein forms T131S.
Identifiers: ClinVar variation 1985454 (VCV001985454.3), dbSNP rs1157662569, ClinGen allele CA385610891.